The following is an entry in ClinVar:

ClinVar aggregate classification (germline): Benign/Likely benign. Review status: criteria provided, multiple submitters, no conflicts (2 of 4 stars). 4 submissions from 4 submitters: Benign (2); Likely benign (1). 1 of the submissions does not count toward it. Last evaluated 2024-11-13.

Conditions:
Cornelia de Lange syndrome 1 (CDLS1). Also called: TYPUS DEGENERATIVUS AMSTELODAMENSIS; Brachmann de Lange syndrome; NIPBL-Related Cornelia de Lange Syndrome. Identifiers: Orphanet 199, MedGen C4551851, MONDO:0007387, OMIM 122470.
NIPBL-related disorder. Also called: NIPBL-related condition.
Inborn genetic diseases. Identifiers: MedGen C0950123, MeSH D030342.

Allele frequency attached by ClinVar (database versions not stated): TOPMed 0.00003; gnomAD 0.00012; gnomAD exomes 0.00012; 1000 Genomes Project 30x 0.00016; 1000 Genomes Project 0.00020; ExAC 0.00021.
gnomAD v4.1: 204 of 1,614,100 alleles (0.013%); highest among the groups gnomAD compares: South Asian, 0.19%; 3 homozygotes.

Submissions (4):

Labcorp Genetics (formerly Invitae), Labcorp
Classification: Benign for Cornelia de Lange syndrome 1. Last evaluated: 2024-11-13. Review status: criteria provided, single submitter. Criteria: Invitae Variant Classification Sherloc (09022015). Collection method: clinical testing. Allele origin: germline.

Blueprint Genetics
Classification: Benign. Last evaluated: 2023-10-27. Review status: criteria provided, single submitter. Criteria: ACMG Guidelines, 2015. Collection method: clinical testing. Allele origin: germline.

Ambry Genetics
Classification: Likely benign for Inborn genetic diseases. Last evaluated: 2018-06-21. Review status: criteria provided, single submitter. Criteria: Ambry Variant Classification Scheme 2023. Collection method: clinical testing. Allele origin: germline.

PreventionGenetics, part of Exact Sciences
Classification: Likely benign for NIPBL-related condition. Last evaluated: 2020-02-10. Review status: no assertion criteria provided. Collection method: clinical testing. Allele origin: germline. Not counted in ClinVar's aggregate classification.
Comment: This variant is classified as likely benign based on ACMG/AMP sequence variant interpretation guidelines (Richards et al. 2015 PMID: 25741868, with internal and published modifications).

NM_133433.4(NIPBL):c.483C>T (p.Ser161=)

Gene: NIPBL (NIPBL cohesin loading factor; plus strand). Cytogenetic location: 5p13.2.
Variant type: single nucleotide variant.
Coding change: c.483C>T on transcript NM_133433.4 (MANE Select); coding-DNA position 483, C replaced by T.
Protein change: p.Ser161=; no amino-acid change (serine 161 retained).
Molecular consequence: synonymous variant.
Genome position (GRCh38, 1-based): chr5:36,962,147, C>T. VCF-style: chr5-36962147-C-T. GRCh37 (hg19) VCF-style: chr5-36962249-C-T.
Other names: c.483C>T, p.Ser161= (NM_015384.5).
Identifiers: ClinVar variation 1743476 (VCV001743476.10), dbSNP rs536895037, ClinGen allele CA3235857.